The following is an entry in ClinVar:

ClinVar aggregate classification (germline): Uncertain significance. Review status: criteria provided, multiple submitters, no conflicts (2 of 4 stars). 3 submissions from 3 submitters: Uncertain significance (3). Last evaluated 2024-11-22.

Conditions:
Arrhythmogenic right ventricular dysplasia 8 (ARVD8). Also called: Arrhythmogenic Right Ventricular Dysplasia/Cardiomyopathy 8; ARRHYTHMOGENIC RIGHT VENTRICULAR CARDIOMYOPATHY 8; ARRHYTHMOGENIC RIGHT VENTRICULAR DYSPLASIA, FAMILIAL, 8. Identifiers: MedGen C1843896, MONDO:0011831, OMIM 607450.
Arrhythmogenic cardiomyopathy with wooly hair and keratoderma. Also called: PALMOPLANTAR KERATODERMA WITH LEFT VENTRICULAR CARDIOMYOPATHY AND WOOLLY HAIR; Carvajal syndrome; Dilated cardiomyopathy with woolly hair and keratoderma; Arrhythmogenic cardiomyopathy with woolly hair and keratoderma. Identifiers: Orphanet 65282, MedGen C1854063, MONDO:0011581, OMIM 605676.

Allele frequency attached by ClinVar (database versions not stated): gnomAD exomes below 0.00001.
gnomAD v4.1: 1 of 1,610,420 alleles (0.000062%); highest among the groups gnomAD compares: East Asian, 0.0022%; no homozygotes.

Submissions (3):

Blueprint Genetics
Classification: Uncertain significance. Last evaluated: 2024-11-22. Review status: criteria provided, single submitter. Criteria: ACMG Guidelines, 2015. Collection method: clinical testing. Allele origin: germline.

Labcorp Genetics (formerly Invitae), Labcorp
Classification: Uncertain significance for Arrhythmogenic cardiomyopathy with wooly hair and keratoderma; Arrhythmogenic right ventricular dysplasia 8. Last evaluated: 2023-03-22. Review status: criteria provided, single submitter. Criteria: Invitae Variant Classification Sherloc (09022015). Collection method: clinical testing. Allele origin: germline.
Comment: In summary, the available evidence is currently insufficient to determine the role of this variant in disease. Therefore, it has been classified as a Variant of Uncertain Significance. Algorithms developed to predict the effect of sequence changes on RNA splicing suggest that this variant may disrupt the consensus splice site. ClinVar contains an entry for this variant (Variation ID: 1217242). This variant has not been reported in the literature in individuals affected with DSP-related conditions. This variant is present in population databases (no rsID available, gnomAD 0.006%). This sequence change falls in intron 7 of the DSP gene. It does not directly change the encoded amino acid sequence of the DSP protein.

Women's Health and Genetics/Laboratory Corporation of America, LabCorp
Classification: Uncertain significance. Last evaluated: 2021-08-05. Review status: criteria provided, single submitter. Criteria: LabCorp Variant Classification Summary - May 2015. Collection method: clinical testing. Allele origin: germline.
Comment: Variant summary: DSP c.940-7T>G alters a non-conserved nucleotide located close to a canonical splice site and therefore could affect mRNA splicing, leading to a significantly altered protein sequence. Several computational tools predict a significant impact on normal splicing: two predict the variant abolishes a 3 prime acceptor site; two predict the variant weakens a 3 prime acceptor site; four predict the variant creates a 3 prime acceptor site. However, these predictions have yet to be confirmed by functional studies. The variant allele was found at a frequency of 4e-06 in 250080 control chromosomes. The available data on variant occurrences in the general population are insufficient to allow any conclusion about variant significance. To our knowledge, no occurrence of c.940-7T>G in individuals affected with Arrhythmogenic Right Ventricular Dysplasia/Cardiomyopathy and no experimental evidence demonstrating its impact on protein function have been reported. No clinical diagnostic laboratories have submitted clinical-significance assessments for this variant to ClinVar after 2014. Based on the evidence outlined above, the variant was classified as uncertain significance.

NM_004415.4(DSP):c.940-7T>G

Gene: DSP (desmoplakin; plus strand). Cytogenetic location: 6p24.3.
Variant type: single nucleotide variant.
Coding change: c.940-7T>G on transcript NM_004415.4 (MANE Select); 7 bases into the intron before coding-DNA position 940, T replaced by G.
Molecular consequence: intron variant.
Genome position (GRCh38, 1-based): chr6:7,566,370, T>G. VCF-style: chr6-7566370-T-G. GRCh37 (hg19) VCF-style: chr6-7566603-T-G.
Other names: c.940-7T>G (NM_001319034.2, NM_001008844.3).
Identifiers: ClinVar variation 1217242 (VCV001217242.5), dbSNP rs1368622056, ClinGen allele CA565102444.
Genomic context (GRCh38, chr6:7,566,370, plus strand): 5'-TACTGTGGGGGTGATGGAAGTTTAATGATGACTTGCTGCAAAGGATTTCTTATTTCTTCA[T>G]TCACAGATACGCATGAGTCAACTGGAAGTTAAAGAAAAAGAGCTCAATAAGCTGAAACAA-3'